The following is an entry in ClinVar:

NM_007118.4(TRIO):c.9260A>G (p.Asn3087Ser)

Gene: TRIO (trio Rho guanine nucleotide exchange factor; plus strand). Cytogenetic location: 5p15.2.
Variant type: single nucleotide variant.
Coding change: c.9260A>G on transcript NM_007118.4 (MANE Select); coding-DNA position 9260, A replaced by G.
Protein change: p.Asn3087Ser; replaces asparagine 3087 with serine.
Molecular consequence: missense variant. On other transcripts: non-coding transcript variant (1).
Genome position (GRCh38, 1-based): chr5:14,508,388, A>G. VCF-style: chr5-14508388-A-G. GRCh37 (hg19) VCF-style: chr5-14508497-A-G.
Other names: short protein forms N3087S.
Identifiers: ClinVar variation 3032122 (VCV003032122.2), dbSNP rs2477747291, ClinGen allele CA359241727.

ClinVar aggregate classification (germline): Uncertain significance (0 of 4 stars; one submission).

Conditions:
TRIO-related disorder. Also called: TRIO-related disorders; TRIO-related condition.

Submission:

PreventionGenetics, part of Exact Sciences
Classification: Uncertain significance for TRIO-related condition. Last evaluated: 2023-11-14. Review status: no assertion criteria provided. Collection method: clinical testing. Allele origin: germline.
Comment: The TRIO c.9260A>G variant is predicted to result in the amino acid substitution p.Asn3087Ser. To our knowledge, this variant has not been reported in the literature or in a large population database, indicating this variant is rare. At this time, the clinical significance of this variant is uncertain due to the absence of conclusive functional and genetic evidence.